The following is an entry in ClinVar:

ClinVar aggregate classification (germline): Uncertain significance (1 of 4 stars; one submission).

gnomAD v4.1: 6 of 1,613,990 alleles (0.00037%); highest among the groups gnomAD compares: South Asian, 0.0022%; no homozygotes.

Submission:

CeGaT Center for Human Genetics Tuebingen
Classification: Uncertain significance. Last evaluated: 2025-02-01. Review status: criteria provided, single submitter. Criteria: CeGaT Center For Human Genetics Tuebingen Variant Classification Criteria Version 2. Collection method: clinical testing. Allele origin: germline. Affected: yes. Observed: 1 variant allele.
Comment: MED13: PM2:Supporting, BP4

NM_005121.3(MED13):c.1339G>T (p.Gly447Cys)

Gene: MED13 (mediator complex subunit 13; minus strand). Cytogenetic location: 17q23.2.
Variant type: single nucleotide variant.
Coding change: c.1339G>T on transcript NM_005121.3 (MANE Select); coding-DNA position 1339, G replaced by T.
Protein change: p.Gly447Cys; replaces glycine 447 with cysteine.
Molecular consequence: missense variant.
Genome position (GRCh38, 1-based): chr17:62,011,178, C>A on the plus strand (G>T on the coding strand, the complement: MED13 is on the minus strand). VCF-style: chr17-62011178-C-A. GRCh37 (hg19) VCF-style: chr17-60088539-C-A.
Other names: short protein forms G447C.
Identifiers: ClinVar variation 3772573 (VCV003772573.13).
Genomic context (GRCh38, chr17:62,011,178, plus strand): 5'-TTTCACTCTTTTCTTGCTTCTCATTGGTCTTGTGCTTAGGAAGTATTTGTTGTTGCTGAC[C>A]TAAAGATGGTGCCTGTCCTTGTTGTCCAGCATTTCTTGACTTGAGATTTTTGTGCCTGAA-3'
Protein context (NP_005112.2, residues 437-457): AGQQGQAPSL[Gly447Cys]QQQQILPKHK